The following is an entry in ClinVar:

ClinVar aggregate classification (germline): Pathogenic (1 of 4 stars; one submission).

Conditions:
Charcot-Marie-Tooth disease axonal type 2S. Also called: CHARCOT-MARIE-TOOTH NEUROPATHY, TYPE 2S; CHARCOT-MARIE-TOOTH DISEASE, AXONAL, AUTOSOMAL RECESSIVE, TYPE 2S. Identifiers: Orphanet 443073, MedGen C4015349, MONDO:0014511, OMIM 616155.
Autosomal recessive distal spinal muscular atrophy 1. Also called: SEVERE INFANTILE AXONAL NEUROPATHY WITH RESPIRATORY FAILURE; SPINAL MUSCULAR ATROPHY, DIAPHRAGMATIC; Spinal muscular atrophy with respiratory distress 1; HMN VI; NEURONOPATHY, SEVERE INFANTILE AXONAL, WITH RESPIRATORY FAILURE; NEURONOPATHY, DISTAL HEREDITARY MOTOR, HARDING TYPE VI. Identifiers: Orphanet 98920, MedGen C1858517, MONDO:0011436, OMIM 604320.

Submission:

Labcorp Genetics (formerly Invitae), Labcorp
Classification: Pathogenic for Autosomal recessive distal spinal muscular atrophy 1; Charcot-Marie-Tooth disease axonal type 2S. Last evaluated: 2019-11-20. Review status: criteria provided, single submitter. Criteria: Invitae Variant Classification Sherloc (09022015). Collection method: clinical testing. Allele origin: germline.
Comment: This sequence change creates a premature translational stop signal (p.Gln568Lysfs*8) in the IGHMBP2 gene. It is expected to result in an absent or disrupted protein product. This variant is not present in population databases (ExAC no frequency). This variant has not been reported in the literature in individuals with IGHMBP2-related conditions. Loss-of-function variants in IGHMBP2 are known to be pathogenic (PMID: 14681881, 25439726, 25568292). For these reasons, this variant has been classified as Pathogenic.

Literature cited by the submitters: PubMed 14681881; PubMed 25439726; PubMed 25568292.

NM_002180.3(IGHMBP2):c.1702del (p.Gln568fs)

Gene: IGHMBP2 (immunoglobulin mu DNA binding protein 2; plus strand). Cytogenetic location: 11q13.3.
Variant type: Deletion.
Coding change: c.1702del on transcript NM_002180.3 (MANE Select); coding-DNA position 1702, one base deleted (C; older notation c.1702delC).
Protein change: p.Gln568fs; shifts the reading frame from glutamine 568.
Molecular consequence: frameshift variant.
Genome position (GRCh38, 1-based): chr11:68,935,368, C deleted; the last of 2 consecutive C bases (chr11:68,935,367-68,935,368); deleting either gives the same sequence. VCF-style (leftmost placement, unchanged base first): chr11-68935366-TC-T. GRCh37 (hg19) VCF-style: chr11-68702834-TC-T.
Other names: short protein forms Q568fs.
Identifiers: ClinVar variation 860866 (VCV000860866.8), dbSNP rs1311146809, ClinGen allele CA599992131.